The following is an entry in ClinVar:

ClinVar aggregate classification (germline): Pathogenic/Likely pathogenic. Review status: criteria provided, multiple submitters, no conflicts (2 of 4 stars). 2 submissions from 2 submitters: Pathogenic (1); Likely pathogenic (1). Last evaluated 2021-03-30.

Conditions:
GNAT1-related disorder. Also called: GNAT1-related condition.

Allele frequency attached by ClinVar (database versions not stated): gnomAD exomes below 0.00001; gnomAD 0.00001 and 0.00002; TOPMed 0.00001; 1000 Genomes Project 30x 0.00016; 1000 Genomes Project 0.00020.

Submissions (2):

Labcorp Genetics (formerly Invitae), Labcorp
Classification: Pathogenic. Last evaluated: 2021-03-30. Review status: criteria provided, single submitter. Criteria: Invitae Variant Classification Sherloc (09022015). Collection method: clinical testing. Allele origin: germline.
Comment: For these reasons, this variant has been classified as Pathogenic. This variant has not been reported in the literature in individuals with GNAT1-related conditions. This sequence change creates a premature translational stop signal (p.Glu203*) in the GNAT1 gene. It is expected to result in an absent or disrupted protein product. Loss-of-function variants in GNAT1 are known to be pathogenic (PMID: 11095744, 31736247). This variant is not present in population databases (ExAC no frequency).

Blueprint Genetics
Classification: Likely pathogenic for GNAT1-related disorders. Last evaluated: 2020-02-03. Review status: criteria provided, single submitter. Criteria: ACMG Guidelines, 2015. Collection method: clinical testing. Allele origin: germline. Affected: yes. Observed: 3 variant alleles.

Literature cited by the submitters: PubMed 11095744 (cited by Labcorp Genetics (formerly Invitae), Labcorp); PubMed 31736247 (cited by Labcorp Genetics (formerly Invitae), Labcorp).

NM_144499.3(GNAT1):c.607G>T (p.Glu203Ter)

Gene: GNAT1 (G protein subunit alpha transducin 1; plus strand). Cytogenetic location: 3p21.31.
Variant type: single nucleotide variant.
Coding change: c.607G>T on transcript NM_144499.3 (MANE Select); coding-DNA position 607, G replaced by T.
Protein change: p.Glu203Ter; replaces glutamic acid 203 with a stop codon.
Molecular consequence: nonsense.
Genome position (GRCh38, 1-based): chr3:50,194,120, G>T. VCF-style: chr3-50194120-G-T. GRCh37 (hg19) VCF-style: chr3-50231553-G-T.
Other names: c.607G>T, p.Glu203Ter (NM_000172.4); short protein forms E203*.
Identifiers: ClinVar variation 1453289 (VCV001453289.7), dbSNP rs571471319, ClinGen allele CA74601617.